The following is an entry in ClinVar:

NM_001374623.1(PNPLA1):c.527C>G (p.Thr176Arg)

Gene: PNPLA1 (patatin like phospholipase domain containing 1; plus strand). Cytogenetic location: 6p21.31.
Variant type: single nucleotide variant.
Coding change: c.527C>G on transcript NM_001374623.1 (MANE Select); coding-DNA position 527, C replaced by G.
Protein change: p.Thr176Arg; replaces threonine 176 with arginine.
Molecular consequence: missense variant.
Genome position (GRCh38, 1-based): chr6:36,294,212, C>G. VCF-style: chr6-36294212-C-G. GRCh37 (hg19) VCF-style: chr6-36261989-C-G.
Other names: c.269C>G, p.Thr90Arg (NM_001145716.2); c.527C>G, p.Thr176Arg (NM_001145717.1); c.242C>G, p.Thr81Arg (NM_173676.2); short protein forms T176R, T81R, T90R.
Identifiers: ClinVar variation 1700337 (VCV001700337.4), dbSNP rs1462324532, ClinGen allele CA363813500.
Genomic context (GRCh38, chr6:36,294,212, plus strand): 5'-CTGGCCCCAAGTGGGCATTTCTCACTCTGCCCCCACAGAGGTACATCGATGGGGGCTTCA[C>G]GGGCATGCAGCCCTGTGCCTTCTGGACCGACGCCATCACCATCTCCACCTTCAGTGGGCA-3'
Protein context (NP_001361552.1, residues 166-186): RGVRYIDGGF[Thr176Arg]GMQPCAFWTD

ClinVar aggregate classification (germline): Uncertain significance (1 of 4 stars; one submission).

Submission:

GeneDx
Classification: Uncertain significance. Last evaluated: 2023-01-27. Review status: criteria provided, single submitter. Criteria: GeneDx Variant Classification Process June 2021. Collection method: clinical testing. Allele origin: germline. Affected: yes.
Comment: Has not been previously published as pathogenic or benign to our knowledge; A different missense change at this residue (T176M) has been reported in the published literature in association with congenital ichthyosis (Diociaiuti et al., 2018); Not observed at significant frequency in large population cohorts (gnomAD); In silico analysis supports that this missense variant has a deleterious effect on protein structure/function